The following is an entry in ClinVar:

ClinVar aggregate classification (germline): Pathogenic. Review status: criteria provided, multiple submitters, no conflicts (2 of 4 stars). 53 submissions from 47 submitters: Pathogenic (41). 12 of the submissions do not count toward it. Last evaluated 2026-09-01.

Conditions:
Microcephaly, normal intelligence and immunodeficiency (NBS). Also called: Ataxia telangiectasia variant V1; Immunodeficiency, microcephaly with normal intelligence; IMMUNODEFICIENCY, MICROCEPHALY, AND CHROMOSOMAL INSTABILITY; BERLIN BREAKAGE SYNDROME; Nijmegen breakage syndrome; SEEMANOVA SYNDROME II. Identifiers: Orphanet 647, MedGen C0398791, MONDO:0009623, OMIM 251260.
Familial cancer of breast. Also called: Hereditary breast cancer; hereditary breast carcinoma; BREAST CANCER, FAMILIAL. Identifiers: Orphanet 227535, MedGen C0346153, MONDO:0016419, OMIM 114480. Disease mechanism: loss of function.
Paediatric disorders.
NBN-related disorder. Also called: NBN-related condition.
Breast and/or ovarian cancer. Identifiers: MedGen CN221562.
Hereditary cancer-predisposing syndrome. Also called: Tumor predisposition; Neoplastic Syndromes, Hereditary; Hereditary neoplastic syndrome; Hereditary Cancer Syndrome. Identifiers: Orphanet 140162, MedGen C0027672, MeSH D009386, MONDO:0015356.
Aplastic anemia. Identifiers: Orphanet 182040, Orphanet 88, MedGen C0002874, MONDO:0015909, OMIM 609135, HP:0001915.
Acute lymphoid leukemia (ALL). Also called: Lymphoblastic leukemia; Acute lymphoblastic leukemia; Acute lymphocytic leukemia; Leukemia, acute lymphoblastic, somatic. Identifiers: Orphanet 513, MedGen C0023449, MONDO:0004967, OMIM 613065, HP:0006721.
Familial prostate cancer. Also called: Hereditary Prostate Cancer. Identifiers: MedGen C2931456, MONDO:0700275, OMIM 176807.
Hepatocellular carcinoma (HCC). Also called: HEPATOMA; LIVER CELL CARCINOMA; Primary carcinoma of liver. Identifiers: Orphanet 88673, MedGen C2239176, MONDO:0007256, OMIM 114550, HP:0001402.
Breast-ovarian cancer, familial, susceptibility to, 1 (BROVCA1). Also called: OVARIAN CANCER, SUSCEPTIBILITY TO; BRCA1 Hereditary Breast and Ovarian Cancer. Identifiers: Orphanet 145, MedGen C2676676, MONDO:0011450, OMIM 604370. Disease mechanism: loss of function.
Breast carcinoma. Also called: Carcinoma of breast. Identifiers: MedGen C0678222, MONDO:0004989, HP:0003002.
Carcinoma of pancreas. Also called: Pancreatic cancer, somatic; Pancreatic carcinoma, somatic; Exocrine pancreatic carcinoma; PANCREATIC ACINAR CARCINOMA; PANCREATIC CARCINOMA. Identifiers: Orphanet 1333, Orphanet 217074, MedGen C0235974, MONDO:0005192. Disease mechanism: loss of function.
Malignant tumor of breast. Also called: Malignant breast neoplasm; Cancer breast. Identifiers: MedGen C0006142, MONDO:0007254. Disease mechanism: loss of function.
Lissencephaly. Also called: Lissencephaly spectrum disorders. Identifiers: Orphanet 48471, MedGen C0266463, MeSH D054082, MONDO:0018838, HP:0001339.
Microcephaly. Also called: Microcephaly (disease). Identifiers: MedGen C4551563, MONDO:0001149, HP:0000252.

Submissions 1 to 7 of 53:

CeGaT Center for Human Genetics Tuebingen
Classification: Pathogenic. Last evaluated: 2026-09-01. Review status: criteria provided, single submitter. Criteria: CeGaT Center For Human Genetics Tuebingen Variant Classification Criteria Version 2. Collection method: clinical testing. Allele origin: germline. Affected: yes. Observed: 42 variant alleles.
Comment: NBN: PVS1, PS4:Moderate

North West Genomic Laboratory Hub, Manchester University NHS Foundation Trust
Classification: Pathogenic for Paediatric disorders. Last evaluated: 2026-06-02. Review status: criteria provided, single submitter. Criteria: ACGS Best Practice Guidelines for Variant Classification in Rare Disease 2024. Collection method: clinical testing. Allele origin: germline. Affected: yes.
Comment: PVS1_VStr PP4_Supp PM3_Mod

PreventionGenetics, part of Exact Sciences
Classification: Pathogenic for NBN-related condition. Last evaluated: 2026-03-18. Review status: criteria provided, single submitter. Criteria: ACMG Guidelines, 2015. Collection method: clinical testing. Allele origin: germline.
Comment: The NBN c.657_661del5 variant is predicted to result in a frameshift and premature protein termination (p.Lys219Asnfs*16). The c.657_661del variant (also known as c.657del5) in the NBN gene is a founder pathogenic variant in the Slavic population and causes Nijmegen breakage syndrome in the homozygous state or in combination with another pathogenic variant in NBN (Varon et al. 1998. PubMed ID: 9590180). Functionally, it has been hypothesized to be a hypomorph, which results in a truncated protein with residual activity of the full-length NBN protein (Maser et al. 2001. PubMed ID: 11279524; Dzikiewicz-Krawczyk et al. 2011. PubMed ID: 22131123). However, this variant is reported in 0.040% of alleles in individuals of European (Non-Finnish) descent in gnomAD. In ClinVar, this variant has been classified as pathogenic (Variation ID: 6940). Frameshift variants in NBN are expected to be pathogenic. This variant is interpreted as pathogenic.

Labcorp Genetics (formerly Invitae), Labcorp
Classification: Pathogenic for Microcephaly, normal intelligence and immunodeficiency. Last evaluated: 2026-01-20. Review status: criteria provided, single submitter. Criteria: Invitae Variant Classification Sherloc (09022015). Collection method: clinical testing. Allele origin: germline.
Comment: This sequence change creates a premature translational stop signal (p.Lys219Asnfs*16) in the NBN gene. While this is not anticipated to result in nonsense mediated decay, it is expected to disrupt the last 536 amino acid(s) of the NBN protein. This variant is present in population databases (rs587776650, gnomAD 0.04%). This premature translational stop signal has been observed in individual(s) with NBN-related conditions (PMID: 14973119, 15185344, 18606567, 19908051, 24113799). It is commonly reported in individuals of Slavic ancestry (PMID: 9590180). This variant is also known as 657del5. ClinVar contains an entry for this variant (Variation ID: 6940). Algorithms developed to predict the effect of variants on gene product structure and function are not available or were not evaluated for this variant. Experimental studies have shown that this premature translational stop signal affects NBN function (PMID: 16033915, 22131123, 22941933). For these reasons, this variant has been classified as Pathogenic.

Natera, Inc.
Classification: Pathogenic for Nijmegen breakage syndrome. Last evaluated: 2026-01-06. Review status: criteria provided, single submitter. Criteria: Natera Variant Classification Schema (03/2026). Collection method: clinical testing. Allele origin: germline.
Comment: The c.657_661delACAAA variant in NBN is a frameshift variant predicted to shift the reading frame beginning at codon 219 and leads to a stop codon 16 codons downstream. This variant is expected to result in nonsense mediated decay, truncation, or a dysfunctional protein product. This variant is rare in the general population with a frequency below the threshold expected for the associated phenotype(s). This variant has been observed in one or more individuals affected with the associated recessive disease, as either homozygous or compound heterozygous with a second variant (PMID: 32441320). Given the available evidence, this variant is classified as Pathogenic.

Ambry Genetics
Classification: Pathogenic for Hereditary cancer-predisposing syndrome. Last evaluated: 2025-12-23. Review status: criteria provided, single submitter. Criteria: Ambry Variant Classification Scheme 2023. Collection method: clinical testing. Allele origin: germline.
Comment: The c.657_661delACAAA (p.K219Nfs*16) alteration, located in exon 6 (coding exon 6) of the NBN gene, consists of a deletion of 5 nucleotides from position 657 to 661, causing a translational frameshift with a predicted alternate stop codon after 16 amino acids. This alteration is expected to result in loss of function by premature protein truncation or nonsense-mediated mRNA decay. Based on data from gnomAD, the c.657_661delACAAA (p.K219Nfs*16) alteration has an overall frequency of 0.02% (57/282132) total alleles studied. The highest observed frequency was 0.04% (52/128774) of European (non-Finnish) alleles. This variant has been identified in the homozygous state and/or in conjunction with other NBN variant(s) in individual(s) with features consistent with Nijmegen breakage syndrome (Matsuura, 1998; Varon, 1999; Varon, 2000; Kleier, 2000; Szczauba, 2012; Ambry internal data). Functional studies have indicated that this alteration may partially escape nonsense-mediated decay and produce a protein with some residual function (Maser, 2001). Based on the available evidence, this alteration is classified as pathogenic.

Hema, HEMA – Genetic and Molecular Diagnostic Laboratory
Classification: Pathogenic for Microcephaly, normal intelligence and immunodeficiency. Last evaluated: 2025-12-02. Review status: criteria provided, single submitter. Criteria: HEMA Variant Classification Assertion Criteria. Collection method: clinical testing. Allele origin: germline.
Comment: The c.657_661del variant is a five-nucleotide deletion that results in a frameshift in NBN. PVS1_Strong: Null variant (frameshift) in a gene for which loss of function is a known disease mechanism. It is a frameshift variant that introduces a premature stop codon in exon 7. Although it is predicted to lead to nonsense-mediated decay (NMD) of the transcript, there is experimental evidence of evasion mechanisms, including alternative translation, that result in a hypomorphic allele (PMID: 11279524, 19635536). For this reason, the strength of PVS1 has been downgraded to PVS1_Strong. PM3_VeryStrong: The variant has been reported in more than 50 homozygotes with Nijmegen breakage syndrome and in more than 6 compound heterozygotes (PMID: 9590180, 10799436, 16033915). PP1_Strong: The variant cosegregated with Nijmegen breakage syndrome in 10 affected individuals (PMID: 10799436).

NM_002485.5(NBN):c.657_661del (p.Lys219fs)

Gene: NBN (nibrin; minus strand). Cytogenetic location: 8q21.3.
Variant type: Deletion.
Coding change: c.657_661del on transcript NM_002485.5 (MANE Select); coding-DNA positions 657 to 661, 5 bases deleted (ACAAA; older notation c.657_661delACAAA).
Protein change: p.Lys219fs; shifts the reading frame from lysine 219.
Molecular consequence: frameshift variant.
Genome position (GRCh38, 1-based): chr8:89,971,214-89,971,218, TTTGT deleted on the plus strand (ACAAA on the coding strand, the reverse complement: NBN is on the minus strand); deleting any 5 consecutive bases within chr8:89,971,214-89,971,221 gives the same sequence; the c. name uses the placement nearest the transcript's 3' end. VCF-style (leftmost placement, unchanged base first): chr8-89971213-ATTTGT-A. GRCh37 (hg19) VCF-style: chr8-90983441-ATTTGT-A.
Other names: 657del5; p.Lys219Asnfs*16; c.657_661delACAAA (NM_002485.4, NM_002485.5); c.411_415del, p.Lys137fs (NM_001024688.3); short protein forms K137fs, K219fs.
Identifiers: ClinVar variation 6940 (VCV000006940.127), dbSNP rs587776650, ClinGen allele CA254009.